The following is an entry in ClinVar:

NM_182914.3(SYNE2):c.2934A>G (p.Glu978=)

Gene: SYNE2 (spectrin repeat containing nuclear envelope protein 2; plus strand). Cytogenetic location: 14q23.2.
Variant type: single nucleotide variant.
Coding change: c.2934A>G on transcript NM_182914.3 (MANE Select); coding-DNA position 2934, A replaced by G.
Protein change: p.Glu978=; no amino-acid change (glutamic acid 978 retained).
Molecular consequence: synonymous variant.
Genome position (GRCh38, 1-based): chr14:63,995,196, A>G. VCF-style: chr14-63995196-A-G. GRCh37 (hg19) VCF-style: chr14-64461914-A-G.
Other names: c.2934A>G, p.Glu978= (NM_015180.6).
Identifiers: ClinVar variation 130494 (VCV000130494.22), dbSNP rs34001379, ClinGen allele CA155573.

ClinVar aggregate classification (germline): Benign. Review status: criteria provided, multiple submitters, no conflicts (2 of 4 stars). 6 submissions from 6 submitters: Benign (5). 1 of the submissions does not count toward it. Last evaluated 2026-01-26.

Conditions:
SYNE2-related disorder. Also called: SYNE2-related condition.
Emery-Dreifuss muscular dystrophy 5, autosomal dominant (EDMD5). Also called: EMERY-DREIFUSS MUSCULAR DYSTROPHY 5. Identifiers: Orphanet 261, MedGen C2751805, MONDO:0013072, OMIM 612999.

Allele frequency attached by ClinVar (database versions not stated): gnomAD exomes 0.00152; ExAC 0.00194; gnomAD 0.00582 and 0.00630; TOPMed 0.00638; 1000 Genomes Project 0.00639; 1000 Genomes Project 30x 0.00671; ESP Exome Variant Server 0.00786.
gnomAD v4.1: 1,777 of 1,606,002 alleles (0.11%); highest among the groups gnomAD compares: African/African-American, 2.2%; 23 homozygotes.

Submissions (6):

Labcorp Genetics (formerly Invitae), Labcorp
Classification: Benign for Emery-Dreifuss muscular dystrophy 5, autosomal dominant. Last evaluated: 2026-01-26. Review status: criteria provided, single submitter. Criteria: Invitae Variant Classification Sherloc (09022015). Collection method: clinical testing. Allele origin: germline.

PreventionGenetics, part of Exact Sciences
Classification: Benign for SYNE2-related condition. Last evaluated: 2025-04-04. Review status: criteria provided, single submitter. Criteria: ACMG Guidelines, 2015. Collection method: clinical testing. Allele origin: germline.
Comment: This variant is classified as benign based on ACMG/AMP sequence variant interpretation guidelines (Richards et al. 2015 PMID: 25741868, with internal and published modifications).

Athena Diagnostics
Classification: Benign. Last evaluated: 2023-10-17. Review status: criteria provided, single submitter. Criteria: Athena Diagnostics Criteria. Collection method: clinical testing. Allele origin: unknown.

Illumina Laboratory Services, Illumina
Classification: Benign for Emery-Dreifuss muscular dystrophy 5, autosomal dominant. Last evaluated: 2018-01-12. Review status: criteria provided, single submitter. Criteria: ICSL Variant Classification Criteria 13 December 2019. Collection method: clinical testing. Allele origin: germline.
Comment: This variant was observed in the ICSL laboratory as part of a predisposition screen in an ostensibly healthy population. It had not been previously curated by ICSL or reported in the Human Gene Mutation Database (HGMD: prior to June 1st, 2018), and was therefore a candidate for classification through an automated scoring system. Utilizing variant allele frequency, disease prevalence and penetrance estimates, and inheritance mode, an automated score was calculated to assess if this variant is too frequent to cause the disease. Based on the score and internal cut-off values, a variant classified as benign is not then subjected to further curation. The score for this variant resulted in a classification of benign for this disease.

Breakthrough Genomics
Classification: Benign. Review status: criteria provided, single submitter. Criteria: ACMG Guidelines, 2015. Collection method: not provided. Allele origin: germline. Inheritance: Autosomal dominant inheritance. Affected: yes.

Genetic Services Laboratory, University of Chicago
Classification: Likely benign for AllHighlyPenetrant. Review status: no assertion criteria provided. Collection method: clinical testing. Allele origin: germline. Inheritance: Autosomal dominant inheritance. Not counted in ClinVar's aggregate classification.
Comment: Likely benign based on allele frequency in 1000 Genomes Project or ESP global frequency and its presence in a patient with a rare or unrelated disease phenotype. NOT Sanger confirmed.